The following is an entry in ClinVar:

ClinVar aggregate classification (germline): Benign/Likely benign. Review status: criteria provided, multiple submitters, no conflicts (2 of 4 stars). 14 submissions from 12 submitters: Benign (5); Likely benign (6). 3 of the submissions do not count toward it. Last evaluated 2026-02-04.

Conditions:
Hereditary spherocytosis type 4. Also called: SLC4A1-Related Spherocytosis. Identifiers: Orphanet 822, MedGen C2675212, MONDO:0012981, OMIM 612653.
Band 3 memphis.
Autosomal dominant distal renal tubular acidosis (DRTA1). Also called: RENAL TUBULAR ACIDOSIS, DISTAL, 1; Renal Tubular Acidosis, Type I; RTA, CLASSIC TYPE; RTA, DISTAL TYPE, AUTOSOMAL DOMINANT; RTA, GRADIENT TYPE. Identifiers: Orphanet 93608, MedGen CN280572, MONDO:0008368, OMIM 179800.
Hemolytic anemia. Identifiers: MedGen C0002878, MONDO:0003664, HP:0001878.

Allele frequency attached by ClinVar (database versions not stated): gnomAD 0.04977 and 0.05002; TOPMed 0.05821; 1000 Genomes Project 0.06390; 1000 Genomes Project 30x 0.06543; gnomAD exomes 0.03029 and 0.04461; ExAC 0.04243.

Submissions (14):

Labcorp Genetics (formerly Invitae), Labcorp
Classification: Benign. Last evaluated: 2026-02-04. Review status: criteria provided, single submitter. Criteria: Invitae Variant Classification Sherloc (09022015). Collection method: clinical testing. Allele origin: germline.

Mayo Clinic Laboratories, Mayo Clinic
Classification: Likely benign. Last evaluated: 2025-10-28. Review status: criteria provided, single submitter. Criteria: ACMG Guidelines, 2015. Collection method: clinical testing. Allele origin: germline. Observed: 266 variant alleles.
Comment: BS1, BP4_moderate

ARUP Laboratories, Molecular Genetics and Genomics, ARUP Laboratories
Classification: Benign. Last evaluated: 2025-07-31. Review status: criteria provided, single submitter. Criteria: ARUP Molecular Germline Variant Investigation Process 2024. Collection method: clinical testing. Allele origin: germline.

Blueprint Genetics
Classification: Likely benign. Last evaluated: 2024-11-27. Review status: criteria provided, single submitter. Criteria: ACMG Guidelines, 2015. Collection method: clinical testing. Allele origin: germline.

GeneDx
Classification: Benign. Last evaluated: 2020-02-03. Review status: criteria provided, single submitter. Criteria: GeneDx Variant Classification Process June 2021. Collection method: clinical testing. Allele origin: germline. Affected: yes.
Comment: This variant is associated with the following publications: (PMID: 29396846, 1520883)

Mendelics
Classification: Benign for Hereditary spherocytosis type 4. Last evaluated: 2019-05-28. Review status: criteria provided, single submitter. Criteria: Mendelics Assertion Criteria 2017. Collection method: clinical testing. Allele origin: unknown.

Illumina Laboratory Services, Illumina
Classification: Likely benign for Hereditary spherocytosis type 4. Last evaluated: 2017-04-27. Review status: criteria provided, single submitter. Criteria: ICSL Variant Classification Criteria 13 December 2019. Collection method: clinical testing. Allele origin: germline.
Comment: This variant was observed as part of a predisposition screen in an ostensibly healthy population. A literature search was performed for the gene, cDNA change, and amino acid change (where applicable). Publications were found based on this search. The evidence from the literature, in combination with allele frequency data from public databases where available, was sufficient to determine this variant is unlikely to cause disease. Therefore, this variant is classified as likely benign.

Illumina Laboratory Services, Illumina
Classification: Likely benign for Autosomal dominant distal renal tubular acidosis. Last evaluated: 2017-04-27. Review status: criteria provided, single submitter. Criteria: ICSL Variant Classification Criteria 13 December 2019. Collection method: clinical testing. Allele origin: germline.
Comment: This variant was observed as part of a predisposition screen in an ostensibly healthy population. A literature search was performed for the gene, cDNA change, and amino acid change (where applicable). No publications were found based on this search. Allele frequency data from public databases allowed determination this variant is unlikely to cause disease. Therefore, this variant is classified as likely benign.

Illumina Laboratory Services, Illumina
Classification: Likely benign for Hemolytic anemia. Last evaluated: 2017-04-27. Review status: criteria provided, single submitter. Criteria: ICSL Variant Classification Criteria 13 December 2019. Collection method: clinical testing. Allele origin: germline.
Comment: the same text as in the submission from Illumina Laboratory Services, Illumina above.

Breakthrough Genomics
Classification: Likely benign. Review status: criteria provided, single submitter. Criteria: ACMG Guidelines, 2015. Collection method: not provided. Allele origin: germline. Inheritance: Autosomal recessive inheritance. Affected: yes.

PreventionGenetics, part of Exact Sciences
Classification: Benign. Review status: criteria provided, single submitter. Criteria: ACMG Guidelines, 2015. Collection method: clinical testing. Allele origin: germline.

OMIM
Classification: Pathogenic for BAND 3 MEMPHIS. Last evaluated: 2009-03-01. Review status: no assertion criteria provided. Collection method: literature only. Allele origin: germline. Not counted in ClinVar's aggregate classification.

Genome Diagnostics Laboratory, University Medical Center Utrecht
Classification: Benign. Review status: no assertion criteria provided. Collection method: clinical testing. Allele origin: germline. Affected: yes. Study: VKGL Data-share Consensus. Not counted in ClinVar's aggregate classification.

Joint Genome Diagnostic Labs from Nijmegen and Maastricht, Radboudumc and MUMC+
Classification: Benign. Review status: no assertion criteria provided. Collection method: clinical testing. Allele origin: germline. Affected: yes. Study: VKGL Data-share Consensus. Not counted in ClinVar's aggregate classification.

Literature cited by the submitters: PubMed 1520883 (cited by Illumina Laboratory Services, Illumina and OMIM); PubMed 8608262 (cited by Illumina Laboratory Services, Illumina); PubMed 2146504 (cited by OMIM); PubMed 893429 (cited by OMIM); PubMed 2196932 (cited by OMIM); PubMed 1678289 (cited by OMIM); PubMed 1419785 (cited by OMIM); PubMed 19229254 (cited by OMIM).

NM_000342.4(SLC4A1):c.166A>G (p.Lys56Glu)

Gene: SLC4A1 (solute carrier family 4 member 1 (Diego blood group); minus strand). Cytogenetic location: 17q21.31.
Variant type: single nucleotide variant.
Coding change: c.166A>G on transcript NM_000342.4 (MANE Select); coding-DNA position 166, A replaced by G.
Protein change: p.Lys56Glu; replaces lysine 56 with glutamic acid.
Molecular consequence: missense variant.
Genome position (GRCh38, 1-based): chr17:44,261,577, T>C on the plus strand (A>G on the coding strand, the complement: SLC4A1 is on the minus strand). VCF-style: chr17-44261577-T-C. GRCh37 (hg19) VCF-style: chr17-42338945-T-C.
Other names: SLC4A1, LYS56GLU (rs5036); short protein forms K56E.
Identifiers: ClinVar variation 17752 (VCV000017752.37), dbSNP rs5036, ClinGen allele CA210832.
Genomic context (GRCh38, chr17:44,261,577, plus strand): 5'-TCAAATGGTGGGTCCCAAAGGCAGCATGGGAAAGAACGGAGGAGGCTGGGGTCCTCACCT[T>C]GTGGGTACCCGGGTGTGATGTGGTGTGGTAGTCTGTGGCTGTTGCCTCGGTGTCGTGAGC-3'
Protein context (NP_000333.1, residues 46-66): YHTTSHPGTH[Lys56Glu]VYVELQELVM